The following is an entry in ClinVar:

ClinVar aggregate classification (germline): Likely benign (1 of 4 stars; one submission).

Allele frequency attached by ClinVar (database versions not stated): gnomAD 0.00001; ExAC 0.00005; TOPMed 0.00005; gnomAD exomes 0.00006; ESP Exome Variant Server 0.00009.
gnomAD v4.1: 68 of 1,210,058 alleles (0.0056%); highest among the groups gnomAD compares: East Asian, 0.012%; 1 homozygote.

Submission:

CeGaT Center for Human Genetics Tuebingen
Classification: Likely benign. Last evaluated: 2022-12-01. Review status: criteria provided, single submitter. Criteria: CeGaT Center For Human Genetics Tuebingen Variant Classification Criteria Version 2. Collection method: clinical testing. Allele origin: germline. Affected: yes. Observed: 1 variant allele.
Comment: STARD8: BP4, BS2

NM_001142503.3(STARD8):c.653G>A (p.Arg218Gln)

Gene: STARD8 (StAR related lipid transfer domain containing 8; plus strand). Cytogenetic location: Xq13.1.
Variant type: single nucleotide variant.
Coding change: c.653G>A on transcript NM_001142503.3 (MANE Select); coding-DNA position 653, G replaced by A.
Protein change: p.Arg218Gln; replaces arginine 218 with glutamine.
Molecular consequence: missense variant.
Genome position (GRCh38, 1-based): chrX:68,717,567, G>A. VCF-style: chrX-68717567-G-A. GRCh37 (hg19) VCF-style: chrX-67937409-G-A.
Other names: c.413G>A, p.Arg138Gln (NM_001142504.3, NM_014725.5); short protein forms R138Q, R218Q.
Identifiers: ClinVar variation 2660785 (VCV002660785.24), dbSNP rs377275769, ClinGen allele CA10437519.